The following is an entry in ClinVar:

ClinVar aggregate classification (germline): Likely benign (1 of 4 stars; one submission).

Allele frequency attached by ClinVar (database versions not stated): gnomAD exomes 0.00005; gnomAD 0.00007; TOPMed 0.00008; ExAC 0.00017; 1000 Genomes Project 30x 0.00031; 1000 Genomes Project 0.00040.
gnomAD v4.1: 79 of 1,550,838 alleles (0.0051%); highest among the groups gnomAD compares: South Asian, 0.024%; no homozygotes.

Submission:

CeGaT Center for Human Genetics Tuebingen
Classification: Likely benign. Last evaluated: 2022-09-01. Review status: criteria provided, single submitter. Criteria: CeGaT Center For Human Genetics Tuebingen Variant Classification Criteria Version 2. Collection method: clinical testing. Allele origin: germline. Affected: yes. Observed: 1 variant allele.
Comment: KNDC1: BP4, BP7

NM_152643.8(KNDC1):c.2445C>T (p.Ala815=)

Gene: KNDC1 (kinase non-catalytic C-lobe domain containing 1; plus strand). Cytogenetic location: 10q26.3.
Variant type: single nucleotide variant.
Coding change: c.2445C>T on transcript NM_152643.8 (MANE Select); coding-DNA position 2445, C replaced by T.
Protein change: p.Ala815=; no amino-acid change (alanine 815 retained).
Molecular consequence: synonymous variant.
Genome position (GRCh38, 1-based): chr10:133,198,953, C>T. VCF-style: chr10-133198953-C-T. GRCh37 (hg19) VCF-style: chr10-135012457-C-T.
Other names: c.2445C>T, p.Ala815= (NM_033404.2).
Identifiers: ClinVar variation 2641002 (VCV002641002.24), dbSNP rs560932020, ClinGen allele CA5760632.